The following is an entry in ClinVar:

NM_032634.4(PIGO):c.1049G>C (p.Gly350Ala)

Gene: PIGO (phosphatidylinositol glycan anchor biosynthesis class O; minus strand). Cytogenetic location: 9p13.3.
Variant type: single nucleotide variant.
Coding change: c.1049G>C on transcript NM_032634.4 (MANE Select); coding-DNA position 1049, G replaced by C.
Protein change: p.Gly350Ala; replaces glycine 350 with alanine.
Molecular consequence: missense variant.
Genome position (GRCh38, 1-based): chr9:35,093,100, C>G on the plus strand (G>C on the coding strand, the complement: PIGO is on the minus strand). VCF-style: chr9-35093100-C-G. GRCh37 (hg19) VCF-style: chr9-35093097-C-G.
Other names: c.1049G>C, p.Gly350Ala (NM_001201484.2, NM_152850.4); short protein forms G350A.
Identifiers: ClinVar variation 1060892 (VCV001060892.7), dbSNP rs368691880, ClinGen allele CA5040741.

ClinVar aggregate classification (germline): Uncertain significance. Review status: criteria provided, multiple submitters, no conflicts (2 of 4 stars). 2 submissions from 2 submitters: Uncertain significance (2). Last evaluated 2022-09-19.

Conditions:
Hyperphosphatasia with impaired intellectual development syndrome 2. Also called: Hyperphosphatasia with intellectual disability syndrome 2; GLYCOSYLPHOSPHATIDYLINOSITOL BIOSYNTHESIS DEFECT 6. Identifiers: Orphanet 247262, MedGen C3553637, MONDO:0013882, OMIM 614749.

Allele frequency attached by ClinVar (database versions not stated): gnomAD exomes 0.00001; TOPMed 0.00003; gnomAD 0.00001; ExAC 0.00002; ESP Exome Variant Server 0.00008.
gnomAD v4.1: 7 of 1,614,094 alleles (0.00043%); highest among the groups gnomAD compares: Admixed American, 0.005%; no homozygotes.

Submissions (2):

Labcorp Genetics (formerly Invitae), Labcorp
Classification: Uncertain significance for Hyperphosphatasia with impaired intellectual development syndrome 2. Last evaluated: 2022-09-19. Review status: criteria provided, single submitter. Criteria: Invitae Variant Classification Sherloc (09022015). Collection method: clinical testing. Allele origin: germline.
Comment: This sequence change replaces glycine, which is neutral and non-polar, with alanine, which is neutral and non-polar, at codon 350 of the PIGO protein (p.Gly350Ala). This variant is present in population databases (rs368691880, gnomAD 0.006%). This variant has not been reported in the literature in individuals affected with PIGO-related conditions. ClinVar contains an entry for this variant (Variation ID: 1060892). Advanced modeling of protein sequence and biophysical properties (such as structural, functional, and spatial information, amino acid conservation, physicochemical variation, residue mobility, and thermodynamic stability) performed at Invitae indicates that this missense variant is not expected to disrupt PIGO protein function. Algorithms developed to predict the effect of sequence changes on RNA splicing suggest that this variant may create or strengthen a splice site. In summary, the available evidence is currently insufficient to determine the role of this variant in disease. Therefore, it has been classified as a Variant of Uncertain Significance.

GeneDx
Classification: Uncertain significance. Last evaluated: 2019-06-25. Review status: criteria provided, single submitter. Criteria: GeneDx Variant Classification Process June 2021. Collection method: clinical testing. Allele origin: germline. Affected: yes.
Comment: Not observed at a significant frequency in large population cohorts (Lek et al., 2016); In silico analysis, which includes protein predictors and evolutionary conservation, supports that this variant does not alter protein structure/function; Has not been previously published as pathogenic or benign to our knowledge